The following is an entry in ClinVar:

ClinVar aggregate classification (germline): Uncertain significance (1 of 4 stars; one submission).

Submission:

Labcorp Genetics (formerly Invitae), Labcorp
Classification: Uncertain significance. Last evaluated: 2024-11-17. Review status: criteria provided, single submitter. Criteria: Invitae Variant Classification Sherloc (09022015). Collection method: clinical testing. Allele origin: germline.
Comment: This sequence change replaces alanine, which is neutral and non-polar, with serine, which is neutral and polar, at codon 1229 of the ALPK3 protein (p.Ala1229Ser). This variant is not present in population databases (gnomAD no frequency). This variant has not been reported in the literature in individuals affected with ALPK3-related conditions. Invitae Evidence Modeling of protein sequence and biophysical properties (such as structural, functional, and spatial information, amino acid conservation, physicochemical variation, residue mobility, and thermodynamic stability) indicates that this missense variant is expected to disrupt ALPK3 protein function with a positive predictive value of 80%. In summary, the available evidence is currently insufficient to determine the role of this variant in disease. Therefore, it has been classified as a Variant of Uncertain Significance.

NM_020778.5(ALPK3):c.3079G>T (p.Ala1027Ser)

Gene: ALPK3 (alpha kinase 3; plus strand). Cytogenetic location: 15q25.3.
Variant type: single nucleotide variant.
Coding change: c.3079G>T on transcript NM_020778.5 (MANE Select); coding-DNA position 3079, G replaced by T.
Protein change: p.Ala1027Ser; replaces alanine 1027 with serine.
Molecular consequence: missense variant.
Genome position (GRCh38, 1-based): chr15:84,857,817, G>T. VCF-style: chr15-84857817-G-T. GRCh37 (hg19) VCF-style: chr15-85401048-G-T.
Other names: short protein forms A1027S.
Identifiers: ClinVar variation 3609026 (VCV003609026.2).
Genomic context (GRCh38, chr15:84,857,817, plus strand): 5'-AGTCCCCGGACATCGAGGCGCATCCTGGAGCGTGTGGAGAACAACCACCTGGTGCAGAGT[G>T]CACAGACCCTGCTGCTGAGCCCCTGTACCTCCCGCCGCCTCACCGGCCTCCTGGACCGTG-3'
Protein context (NP_065829.4, residues 1017-1037): RVENNHLVQS[Ala1027Ser]QTLLLSPCTS